The following is an entry in ClinVar:

NM_020433.5(JPH2):c.272A>G (p.Lys91Arg)

Gene: JPH2 (junctophilin 2; minus strand). Cytogenetic location: 20q13.12.
Variant type: single nucleotide variant.
Coding change: c.272A>G on transcript NM_020433.5 (MANE Select); coding-DNA position 272, A replaced by G.
Protein change: p.Lys91Arg; replaces lysine 91 with arginine.
Molecular consequence: missense variant.
Genome position (GRCh38, 1-based): chr20:44,186,434, T>C on the plus strand (A>G on the coding strand, the complement: JPH2 is on the minus strand). VCF-style: chr20-44186434-T-C. GRCh37 (hg19) VCF-style: chr20-42815074-T-C.
Other names: c.272A>G, p.Lys91Arg (NM_175913.4); short protein forms K91R.
Identifiers: ClinVar variation 1795268 (VCV001795268.3), dbSNP rs2072843641, ClinGen allele CA409095154.

ClinVar aggregate classification (germline): Uncertain significance. Review status: criteria provided, multiple submitters, no conflicts (2 of 4 stars). 2 submissions from 2 submitters: Uncertain significance (2). Last evaluated 2026-01-04.

Conditions:
Hypertrophic cardiomyopathy. Also called: HYPERTROPHIC MYOCARDIOPATHY. Identifiers: Orphanet 217569, MedGen C0007194, MeSH D002312, MONDO:0005045, HP:0001639.
Cardiovascular phenotype. Identifiers: MedGen CN230736.

Allele frequency attached by ClinVar (database versions not stated): TOPMed below 0.00001.

Submissions (2):

Labcorp Genetics (formerly Invitae), Labcorp
Classification: Uncertain significance for Hypertrophic cardiomyopathy. Last evaluated: 2026-01-04. Review status: criteria provided, single submitter. Criteria: Invitae Variant Classification Sherloc (09022015). Collection method: clinical testing. Allele origin: germline.
Comment: This sequence change replaces lysine, which is basic and polar, with arginine, which is basic and polar, at codon 91 of the JPH2 protein (p.Lys91Arg). This variant is not present in population databases (gnomAD no frequency). This variant has not been reported in the literature in individuals affected with JPH2-related conditions. ClinVar contains an entry for this variant (Variation ID: 1795268). An algorithm developed to predict the effect of missense changes on protein structure and function (PolyPhen-2) suggests that this variant is likely to be disruptive. In summary, the available evidence is currently insufficient to determine the role of this variant in disease. Therefore, it has been classified as a Variant of Uncertain Significance.

Ambry Genetics
Classification: Uncertain significance for Cardiovascular phenotype. Last evaluated: 2022-04-03. Review status: criteria provided, single submitter. Criteria: Ambry Variant Classification Scheme 2023. Collection method: clinical testing. Allele origin: germline.
Comment: The p.K91R variant (also known as c.272A>G), located in coding exon 1 of the JPH2 gene, results from an A to G substitution at nucleotide position 272. The lysine at codon 91 is replaced by arginine, an amino acid with highly similar properties. This amino acid position is conserved. In addition, this alteration is predicted to be tolerated by in silico analysis. Since supporting evidence is limited at this time, the clinical significance of this alteration remains unclear.